The following is an entry in ClinVar:

NM_004525.3(LRP2):c.11816A>G (p.His3939Arg)

Gene: LRP2 (LDL receptor related protein 2; minus strand). Cytogenetic location: 2q31.1.
Variant type: single nucleotide variant.
Coding change: c.11816A>G on transcript NM_004525.3 (MANE Select); coding-DNA position 11816, A replaced by G.
Protein change: p.His3939Arg; replaces histidine 3939 with arginine.
Molecular consequence: missense variant.
Genome position (GRCh38, 1-based): chr2:169,162,543, T>C on the plus strand (A>G on the coding strand, the complement: LRP2 is on the minus strand). VCF-style: chr2-169162543-T-C. GRCh37 (hg19) VCF-style: chr2-170019053-T-C.
Other names: short protein forms H3939R.
Identifiers: ClinVar variation 2802818 (VCV002802818.3), dbSNP rs113618466, ClinGen allele CA59903152.
Genomic context (GRCh38, chr2:169,162,543, plus strand): 5'-TCATCGGACCAGTCACCACAGTCATCGGCATCATCACACACATTGTCATGTGGAATGCAA[T>C]GCCCATTGCCACACTTATATTCATATTCTGTACAAGGTTTAGGGGTCGGTTTTCTACCTG-3'
Protein context (NP_004516.2, residues 3929-3949): TEYEYKCGNG[His3939Arg]CIPHDNVCDD

ClinVar aggregate classification (germline): Uncertain significance (1 of 4 stars; one submission).

Submission:

Labcorp Genetics (formerly Invitae), Labcorp
Classification: Uncertain significance. Last evaluated: 2024-02-05. Review status: criteria provided, single submitter. Criteria: Invitae Variant Classification Sherloc (09022015). Collection method: clinical testing. Allele origin: germline.
Comment: This sequence change replaces histidine, which is basic and polar, with arginine, which is basic and polar, at codon 3939 of the LRP2 protein (p.His3939Arg). This variant is not present in population databases (gnomAD no frequency). This variant has not been reported in the literature in individuals affected with LRP2-related conditions. Advanced modeling of protein sequence and biophysical properties (such as structural, functional, and spatial information, amino acid conservation, physicochemical variation, residue mobility, and thermodynamic stability) performed at Invitae indicates that this missense variant is not expected to disrupt LRP2 protein function with a negative predictive value of 95%. In summary, the available evidence is currently insufficient to determine the role of this variant in disease. Therefore, it has been classified as a Variant of Uncertain Significance.